The following is an entry in ClinVar:

ClinVar aggregate classification (germline): Uncertain significance. Review status: criteria provided, multiple submitters, no conflicts (2 of 4 stars). 3 submissions from 3 submitters: Uncertain significance (3). Last evaluated 2025-10-21.

Conditions:
Inborn genetic diseases. Identifiers: MedGen C0950123, MeSH D030342.
Combined immunodeficiency due to DOCK8 deficiency (HIES2). Also called: HIES autosomal recessive; Hyper-IgE recurrent infection syndrome, autosomal recessive; HYPER-IgE RECURRENT INFECTION SYNDROME 2, AUTOSOMAL RECESSIVE; HYPER-IgE SYNDROME 2, AUTOSOMAL RECESSIVE, WITH RECURRENT INFECTIONS; DOCK8 Deficiency. Identifiers: Orphanet 217390, MedGen C4722305, MONDO:0009478, OMIM 243700.

Allele frequency attached by ClinVar (database versions not stated): gnomAD 0.00003; gnomAD exomes 0.00004 and 0.00007; TOPMed 0.00004; ExAC 0.00005.

Submissions (3):

Labcorp Genetics (formerly Invitae), Labcorp
Classification: Uncertain significance for Combined immunodeficiency due to DOCK8 deficiency. Last evaluated: 2025-10-21. Review status: criteria provided, single submitter. Criteria: Invitae Variant Classification Sherloc (09022015). Collection method: clinical testing. Allele origin: germline.
Comment: This sequence change replaces threonine, which is neutral and polar, with isoleucine, which is neutral and non-polar, at codon 813 of the DOCK8 protein (p.Thr813Ile). This variant is present in population databases (rs762799448, gnomAD 0.008%). This variant has not been reported in the literature in individuals affected with DOCK8-related conditions. ClinVar contains an entry for this variant (Variation ID: 366866). An algorithm developed to predict the effect of missense changes on protein structure and function (PolyPhen-2) suggests that this variant is likely to be disruptive. In summary, the available evidence is currently insufficient to determine the role of this variant in disease. Therefore, it has been classified as a Variant of Uncertain Significance.

Ambry Genetics
Classification: Uncertain significance for Inborn genetic diseases. Last evaluated: 2024-12-11. Review status: criteria provided, single submitter. Criteria: Ambry Variant Classification Scheme 2023. Collection method: clinical testing. Allele origin: germline.

Illumina Laboratory Services, Illumina
Classification: Uncertain significance for Combined immunodeficiency due to DOCK8 deficiency. Last evaluated: 2018-01-13. Review status: criteria provided, single submitter. Criteria: ICSL Variant Classification Criteria 13 December 2019. Collection method: clinical testing. Allele origin: germline.

NM_203447.4(DOCK8):c.2438C>T (p.Thr813Ile)

Gene: DOCK8 (dedicator of cytokinesis 8; plus strand). Cytogenetic location: 9p24.3.
Variant type: single nucleotide variant.
Coding change: c.2438C>T on transcript NM_203447.4 (MANE Select); coding-DNA position 2438, C replaced by T.
Protein change: p.Thr813Ile; replaces threonine 813 with isoleucine.
Molecular consequence: missense variant.
Genome position (GRCh38, 1-based): chr9:377,209, C>T. VCF-style: chr9-377209-C-T. GRCh37 (hg19) VCF-style: chr9-377209-C-T.
Other names: c.2234C>T, p.Thr745Ile (NM_001190458.2, NM_001193536.2); short protein forms T813I, T745I.
Identifiers: ClinVar variation 366866 (VCV000366866.10), dbSNP rs762799448, ClinGen allele CA4958189.